The following is an entry in ClinVar:

NM_014317.5(PDSS1):c.228G>C (p.Arg76=)

Gene: PDSS1 (decaprenyl diphosphate synthase subunit 1; plus strand). Cytogenetic location: 10p12.1.
Variant type: single nucleotide variant.
Coding change: c.228G>C on transcript NM_014317.5 (MANE Select); coding-DNA position 228, G replaced by C.
Protein change: p.Arg76=; no amino-acid change (arginine 76 retained).
Molecular consequence: synonymous variant. On other transcripts: 5 prime UTR variant (1).
Genome position (GRCh38, 1-based): chr10:26,705,286, G>C. VCF-style: chr10-26705286-G-C. GRCh37 (hg19) VCF-style: chr10-26994215-G-C.
Other names: c.228G>C, p.Arg76= (NM_001321978.2); c.-366G>C (NM_001321979.2).
Identifiers: ClinVar variation 1901671 (VCV001901671.6), dbSNP rs1371465378, ClinGen allele CA468627416.
Genomic context (GRCh38, chr10:26,705,286, plus strand): 5'-ATATATATGTATATAAAACTTACTTGAAAATGAAGTCATGTGCATTTTTGCATGTCCCAG[G>C]TTTCATCACACAACCCCAGACAGTAAAACACACAGTGGTGAAAAATACACCGATCCTTTC-3'
Protein context (NP_055132.2, residues 66-86): SACPNVCRIS[Arg76=]FHHTTPDSKT

ClinVar aggregate classification (germline): Uncertain significance. Review status: criteria provided, multiple submitters, no conflicts (2 of 4 stars). 2 submissions from 2 submitters: Uncertain significance (2). Last evaluated 2024-01-28.

Conditions:
Deafness-encephaloneuropathy-obesity-valvulopathy syndrome. Identifiers: Orphanet 254898, MedGen C3553354, MONDO:0013837, OMIM 614651.

Allele frequency attached by ClinVar (database versions not stated): TOPMed 0.00001.
gnomAD v4.1: 3 of 1,588,566 alleles (0.00019%); highest among the groups gnomAD compares: Admixed American, 0.005%; no homozygotes.

Submissions (2):

Fulgent Genetics
Classification: Uncertain significance for Deafness-encephaloneuropathy-obesity-valvulopathy syndrome. Last evaluated: 2024-01-28. Review status: criteria provided, single submitter. Criteria: ACMG Guidelines, 2015. Collection method: clinical testing. Allele origin: germline.

Labcorp Genetics (formerly Invitae), Labcorp
Classification: Uncertain significance. Last evaluated: 2022-05-31. Review status: criteria provided, single submitter. Criteria: Invitae Variant Classification Sherloc (09022015). Collection method: clinical testing. Allele origin: germline.
Comment: This sequence change affects codon 76 of the PDSS1 mRNA. It is a 'silent' change, meaning that it does not change the encoded amino acid sequence of the PDSS1 protein. It affects a nucleotide within the consensus splice site. This variant is present in population databases (no rsID available, gnomAD 0.003%). This variant has not been reported in the literature in individuals affected with PDSS1-related conditions. Algorithms developed to predict the effect of sequence changes on RNA splicing suggest that this variant is not likely to affect RNA splicing. In summary, the available evidence is currently insufficient to determine the role of this variant in disease. Therefore, it has been classified as a Variant of Uncertain Significance.